The following is an entry in ClinVar:

NM_000051.4(ATM):c.8312C>G (p.Thr2771Arg)

Genes: ATM (ATM serine/threonine kinase; plus strand), C11orf65 (chromosome 11 open reading frame 65; minus strand). Cytogenetic location: 11q22.3.
Variant type: single nucleotide variant.
Coding change: c.8312C>G on transcript NM_000051.4 (MANE Select); coding-DNA position 8312, C replaced by G.
Protein change: p.Thr2771Arg; replaces threonine 2771 with arginine.
Molecular consequence: missense variant. On other transcripts: intron variant (2).
Genome position (GRCh38, 1-based): chr11:108,343,265, C>G. VCF-style: chr11-108343265-C-G. GRCh37 (hg19) VCF-style: chr11-108213992-C-G.
Other names: c.8312C>G, p.Thr2771Arg (NM_001351834.2); c.641-34194G>C (NM_001330368.2); c.695-7973G>C (NM_001351110.2); short protein forms T2771R.
Identifiers: ClinVar variation 2738430 (VCV002738430.4), dbSNP rs771781881, ClinGen allele CA6266350.

ClinVar aggregate classification (germline): Uncertain significance. Review status: criteria provided, multiple submitters, no conflicts (2 of 4 stars). 2 submissions from 2 submitters: Uncertain significance (2). Last evaluated 2025-06-07.

Conditions:
Ataxia-telangiectasia syndrome (AT). Also called: LOUIS-BAR SYNDROME; Cerebello-oculocutaneous telangiectasia; Immunodeficiency with ataxia telangiectasia; Ataxia telangiectasia (A-T); Ataxia-telangiectasia, complementation group D; AT, COMPLEMENTATION GROUP C. Identifiers: Orphanet 100, MedGen C0004135, MONDO:0008840, OMIM 208900.
Hereditary cancer-predisposing syndrome. Also called: Tumor predisposition; Neoplastic Syndromes, Hereditary; Hereditary Cancer Syndrome; Hereditary neoplastic syndrome. Identifiers: Orphanet 140162, MedGen C0027672, MeSH D009386, MONDO:0015356.

Allele frequency attached by ClinVar (database versions not stated): ExAC 0.00001.
gnomAD v4.1: 3 of 1,613,950 alleles (0.00019%); highest among the groups gnomAD compares: Non-Finnish European, 0.00025%; no homozygotes.

Submissions (2):

Ambry Genetics
Classification: Uncertain significance for Hereditary cancer-predisposing syndrome. Last evaluated: 2025-06-07. Review status: criteria provided, single submitter. Criteria: Ambry Variant Classification Scheme 2023. Collection method: clinical testing. Allele origin: germline.
Comment: The p.T2771R variant (also known as c.8312C>G), located in coding exon 56 of the ATM gene, results from a C to G substitution at nucleotide position 8312. The threonine at codon 2771 is replaced by arginine, an amino acid with similar properties. This amino acid position is conserved. In addition, the in silico prediction for this alteration is inconclusive. Based on the available evidence, the clinical significance of this variant remains unclear.

Labcorp Genetics (formerly Invitae), Labcorp
Classification: Uncertain significance for Ataxia-telangiectasia syndrome. Last evaluated: 2024-03-14. Review status: criteria provided, single submitter. Criteria: Invitae Variant Classification Sherloc (09022015). Collection method: clinical testing. Allele origin: germline.
Comment: This sequence change replaces threonine, which is neutral and polar, with arginine, which is basic and polar, at codon 2771 of the ATM protein (p.Thr2771Arg). This variant is present in population databases (rs771781881, gnomAD 0.003%). This variant has not been reported in the literature in individuals affected with ATM-related conditions. An algorithm developed to predict the effect of missense changes on protein structure and function (PolyPhen-2) suggests that this variant is likely to be disruptive. In summary, the available evidence is currently insufficient to determine the role of this variant in disease. Therefore, it has been classified as a Variant of Uncertain Significance.